The following is an entry in ClinVar:

ClinVar aggregate classification (germline): Uncertain significance. Review status: criteria provided, multiple submitters, no conflicts (2 of 4 stars). 2 submissions from 2 submitters: Uncertain significance (2). Last evaluated 2024-01-29.

Conditions:
FG syndrome (FGS). Identifiers: MedGen C0220769, MONDO:0002010.

Submissions (2):

Women's Health and Genetics/Laboratory Corporation of America, LabCorp
Classification: Uncertain significance. Last evaluated: 2024-01-29. Review status: criteria provided, single submitter. Criteria: LabCorp Variant Classification Summary - May 2015. Collection method: clinical testing. Allele origin: germline.
Comment: Variant summary: MED12 c.33C>A (p.His11Gln) results in a non-conservative amino acid change in the encoded protein sequence. Three of five in-silico tools predict a benign effect of the variant on protein function. The variant was absent in 176433 control chromosomes. The available data on variant occurrences in the general population are insufficient to allow any conclusion about variant significance. To our knowledge, no occurrence of c.33C>A in individuals affected with MED12-Related Disorders and no experimental evidence demonstrating its impact on protein function have been reported. ClinVar contains an entry for this variant (Variation ID: 1718535). Based on the evidence outlined above, the variant was classified as uncertain significance.

Labcorp Genetics (formerly Invitae), Labcorp
Classification: Uncertain significance for FG syndrome. Last evaluated: 2023-01-07. Review status: criteria provided, single submitter. Criteria: Invitae Variant Classification Sherloc (09022015). Collection method: clinical testing. Allele origin: germline.
Comment: In summary, the available evidence is currently insufficient to determine the role of this variant in disease. Therefore, it has been classified as a Variant of Uncertain Significance. Advanced modeling of protein sequence and biophysical properties (such as structural, functional, and spatial information, amino acid conservation, physicochemical variation, residue mobility, and thermodynamic stability) performed at Invitae indicates that this missense variant is not expected to disrupt MED12 protein function. ClinVar contains an entry for this variant (Variation ID: 1718535). This variant has not been reported in the literature in individuals affected with MED12-related conditions. This variant is not present in population databases (gnomAD no frequency). This sequence change replaces histidine, which is basic and polar, with glutamine, which is neutral and polar, at codon 11 of the MED12 protein (p.His11Gln).

NM_005120.3(MED12):c.33C>A (p.His11Gln)

Gene: MED12 (mediator complex subunit 12; plus strand). Cytogenetic location: Xq13.1.
Variant type: single nucleotide variant.
Coding change: c.33C>A on transcript NM_005120.3 (MANE Select); coding-DNA position 33, C replaced by A.
Protein change: p.His11Gln; replaces histidine 11 with glutamine.
Molecular consequence: missense variant.
Genome position (GRCh38, 1-based): chrX:71,118,787, C>A. VCF-style: chrX-71118787-C-A. GRCh37 (hg19) VCF-style: chrX-70338637-C-A.
Other names: short protein forms H11Q.
Identifiers: ClinVar variation 1718535 (VCV001718535.7), dbSNP rs1018272698, ClinGen allele CA413498304.
Genomic context (GRCh38, chrX:71,118,787, plus strand): 5'-GTGCCTCCGGCGCTACGGGCTGGGCAAGATGGCGGCCTTCGGGATCTTGAGCTACGAACA[C>A]CGGCCCCTGAAGCGGCCGCGGCTGGGGCCTCCCGATGTTTACCCTCAGGACCCCAAACAG-3'
Protein context (NP_005111.2, residues 1-21): MAAFGILSYE[His11Gln]RPLKRPRLGP